The following is an entry in ClinVar:

ClinVar aggregate classification (germline): Benign. Review status: criteria provided, multiple submitters, no conflicts (2 of 4 stars). 2 submissions from 2 submitters: Benign (2). Last evaluated 2018-06-14.

Allele frequency attached by ClinVar (database versions not stated): gnomAD exomes 0.03520; gnomAD 0.05639 and 0.05946; TOPMed 0.06326; 1000 Genomes Project 30x 0.09322; 1000 Genomes Project 0.09345.
gnomAD v4.1: 50,254 of 1,312,232 alleles (3.8%); highest among the groups gnomAD compares: Admixed American, 16%; 2,159 homozygotes.

Submissions (10):

GeneDx
Classification: Benign. Last evaluated: 2018-06-14. Review status: criteria provided, single submitter. Criteria: GeneDx Variant Classification (06012015). Collection method: clinical testing. Allele origin: germline. Affected: yes.
Comment: This variant is considered likely benign or benign based on one or more of the following criteria: it is a conservative change, it occurs at a poorly conserved position in the protein, it is predicted to be benign by multiple in silico algorithms, and/or has population frequency not consistent with disease.

Breakthrough Genomics
Classification: Benign. Review status: criteria provided, single submitter. Criteria: ACMG Guidelines, 2015. Collection method: not provided. Allele origin: germline. Inheritance: Autosomal recessive inheritance. Affected: yes.

Dr. Peter K. Rogan Lab, Western University
No classification provided (evidence only). Condition: Sarcoma. Review status: no classification provided. Collection method: in vitro. Allele origin: not applicable. Functional consequence: retained intron. Not counted in ClinVar's aggregate classification.

Dr. Peter K. Rogan Lab, Western University
No classification provided (evidence only). Condition: Sarcoma. Review status: no classification provided. Collection method: in vitro. Allele origin: not applicable. Functional consequence: retained intron. Not counted in ClinVar's aggregate classification.

Dr. Peter K. Rogan Lab, Western University
No classification provided (evidence only). Condition: Sarcoma. Review status: no classification provided. Collection method: in vitro. Allele origin: not applicable. Functional consequence: retained intron. Not counted in ClinVar's aggregate classification.

Dr. Peter K. Rogan Lab, Western University
No classification provided (evidence only). Condition: Sarcoma. Review status: no classification provided. Collection method: in vitro. Allele origin: not applicable. Functional consequence: retained intron. Not counted in ClinVar's aggregate classification.

Dr. Peter K. Rogan Lab, Western University
No classification provided (evidence only). Condition: Thymoma. Review status: no classification provided. Collection method: in vitro. Allele origin: not applicable. Functional consequence: retained intron. Not counted in ClinVar's aggregate classification.

Dr. Peter K. Rogan Lab, Western University
No classification provided (evidence only). Condition: Malignant tumor of esophagus. Review status: no classification provided. Collection method: in vitro. Allele origin: not applicable. Functional consequence: retained intron. Not counted in ClinVar's aggregate classification.

Dr. Peter K. Rogan Lab, Western University
No classification provided (evidence only). Condition: Chronic lymphocytic leukemia/small lymphocytic lymphoma. Review status: no classification provided. Collection method: in vitro. Allele origin: not applicable. Functional consequence: retained intron. Not counted in ClinVar's aggregate classification.

Dr. Peter K. Rogan Lab, Western University
No classification provided (evidence only). Condition: Familial pancreatic carcinoma. Review status: no classification provided. Collection method: in vitro. Allele origin: not applicable. Functional consequence: retained intron. Not counted in ClinVar's aggregate classification.

NM_001267550.2(TTN):c.40057+52T>A

Gene: TTN (titin; minus strand). Cytogenetic location: 2q31.2.
Variant type: single nucleotide variant.
Coding change: c.40057+52T>A on transcript NM_001267550.2 (MANE Select); 52 bases into the intron after coding-DNA position 40057, T replaced by A.
Molecular consequence: intron variant.
Genome position (GRCh38, 1-based): chr2:178,649,196, A>T on the plus strand (T>A on the coding strand, the complement: TTN is on the minus strand). VCF-style: chr2-178649196-A-T. GRCh37 (hg19) VCF-style: chr2-179513923-A-T.
Other names: NC_000002.11:g.179513923A>T; c.13283-6879T>A (NM_003319.4); c.13859-6879T>A (NM_133437.4); c.13658-6879T>A (NM_133432.3); c.32593+621T>A (NM_133378.4); c.35374+621T>A (NM_001256850.1).
Identifiers: ClinVar variation 672621 (VCV000672621.3), dbSNP rs7606485, ClinGen allele CA60966037.